The following is an entry in ClinVar:

NM_001173990.3(TMEM216):c.289T>A (p.Phe97Ile)

Gene: TMEM216 (transmembrane protein 216; plus strand). Cytogenetic location: 11q12.2.
Variant type: single nucleotide variant.
Coding change: c.289T>A on transcript NM_001173990.3 (MANE Select); coding-DNA position 289, T replaced by A.
Protein change: p.Phe97Ile; replaces phenylalanine 97 with isoleucine.
Molecular consequence: missense variant.
Genome position (GRCh38, 1-based): chr11:61,397,833, T>A. VCF-style: chr11-61397833-T-A. GRCh37 (hg19) VCF-style: chr11-61165305-T-A.
Other names: p.Phe97Ile; c.289T>A (NM_001173991.2); c.289T>A, p.Phe97Ile (NM_001173991.3); c.106T>A, p.Phe36Ile (NM_001330285.2, NM_016499.6); short protein forms F36I, F97I.
Identifiers: ClinVar variation 305078 (VCV000305078.21), dbSNP rs201614099, ClinGen allele CA6034742.

ClinVar aggregate classification (germline): Conflicting classifications of pathogenicity. Review status: criteria provided, conflicting classifications (1 of 4 stars). 10 submissions from 9 submitters: Uncertain significance (8); Likely benign (1). 1 of the submissions does not count toward it. Last evaluated 2026-02-05.

Conditions:
Meckel syndrome, type 2 (MKS2). Also called: MKS2-Related Meckel Syndrome; MECKEL-GRUBER SYNDROME, TYPE 2. Identifiers: Orphanet 564, MedGen C1864148, MONDO:0011296, OMIM 603194.
Retinal dystrophy. Also called: Inherited retinal dystrophy. Identifiers: Orphanet 71862, MedGen C0854723, MeSH D058499, MONDO:0019118, HP:0000556.
Joubert syndrome. Also called: JOUBERT-BOLTSHAUSER SYNDROME; Familial aplasia of the vermis. Identifiers: Orphanet 475, MedGen C5979921, MONDO:0018772.
Joubert syndrome 2 (JBTS2). Also called: CEREBELLOOCULORENAL SYNDROME 2. Identifiers: Orphanet 2318, MedGen C1842577, MONDO:0011963, OMIM 608091.
TMEM216-related disorder. Also called: TMEM216-related disorders; TMEM216-related condition.

Allele frequency attached by ClinVar (database versions not stated): TOPMed 0.00030; gnomAD 0.00040 and 0.00042; gnomAD exomes 0.00046 and 0.00049; ExAC 0.00047; ESP Exome Variant Server 0.00063.

Submissions (10):

PreventionGenetics, part of Exact Sciences
Classification: Uncertain significance for TMEM216-related condition. Last evaluated: 2026-02-05. Review status: criteria provided, single submitter. Criteria: ACMG Guidelines, 2015. Collection method: clinical testing. Allele origin: germline.
Comment: The TMEM216 c.289T>A variant is predicted to result in the amino acid substitution p.Phe97Ile. This variant was reported in the heterozygous state in an individual with a retinal disorder along with brain abnormalities, global developmental delay, intellectual disability and seizures (Table S8, Perea-Romero et al. 2021. PubMed ID: 34448047). This variant is reported in 0.12% of alleles in individuals of European (Finnish) descent in gnomAD, which may be too common to be a primary cause of disease. Although we suspect that this variant may be benign, at this time, the clinical significance of this variant is uncertain due to the absence of conclusive functional and genetic evidence.

Mayo Clinic Laboratories, Mayo Clinic
Classification: Uncertain significance. Last evaluated: 2025-09-10. Review status: criteria provided, single submitter. Criteria: ACMG Guidelines, 2015. Collection method: clinical testing. Allele origin: germline. Observed: 1 variant allele.
Comment: BP4_moderate

Blueprint Genetics
Classification: Likely benign. Last evaluated: 2024-11-22. Review status: criteria provided, single submitter. Criteria: ACMG Guidelines, 2015. Collection method: clinical testing. Allele origin: germline.

Labcorp Genetics (formerly Invitae), Labcorp
Classification: Uncertain significance for Joubert syndrome. Last evaluated: 2022-10-25. Review status: criteria provided, single submitter. Criteria: Invitae Variant Classification Sherloc (09022015). Collection method: clinical testing. Allele origin: germline.
Comment: This sequence change replaces phenylalanine, which is neutral and non-polar, with isoleucine, which is neutral and non-polar, at codon 97 of the TMEM216 protein (p.Phe97Ile). This variant is present in population databases (rs201614099, gnomAD 0.1%), and has an allele count higher than expected for a pathogenic variant. This variant has not been reported in the literature in individuals affected with TMEM216-related conditions. ClinVar contains an entry for this variant (Variation ID: 305078). Algorithms developed to predict the effect of missense changes on protein structure and function (SIFT, PolyPhen-2, Align-GVGD) all suggest that this variant is likely to be tolerated. In summary, the available evidence is currently insufficient to determine the role of this variant in disease. Therefore, it has been classified as a Variant of Uncertain Significance.

GeneDx
Classification: Uncertain significance. Last evaluated: 2022-09-06. Review status: criteria provided, single submitter. Criteria: GeneDx Variant Classification Process June 2021. Collection method: clinical testing. Allele origin: germline. Affected: yes.
Comment: In silico analysis supports that this missense variant does not alter protein structure/function; Has not been previously published as pathogenic or benign to our knowledge; This variant is associated with the following publications: (PMID: 22282472)

Institute of Human Genetics, Univ. Regensburg, Univ. Regensburg
Classification: Uncertain significance for Retinal dystrophy. Last evaluated: 2022-01-01. Review status: criteria provided, single submitter. Criteria: ACMG Guidelines, 2015. Collection method: clinical testing. Allele origin: germline. Affected: yes.

Illumina Laboratory Services, Illumina
Classification: Uncertain significance for Joubert syndrome 2. Last evaluated: 2018-01-12. Review status: criteria provided, single submitter. Criteria: ICSL Variant Classification Criteria 13 December 2019. Collection method: clinical testing. Allele origin: germline.

Illumina Laboratory Services, Illumina
Classification: Uncertain significance for Meckel syndrome, type 2. Last evaluated: 2018-01-12. Review status: criteria provided, single submitter. Criteria: ICSL Variant Classification Criteria 13 December 2019. Collection method: clinical testing. Allele origin: germline.

Eurofins Ntd Llc (ga)
Classification: Uncertain significance. Last evaluated: 2017-09-01. Review status: criteria provided, single submitter. Criteria: EGL Classification Definitions 2015. Collection method: clinical testing. Allele origin: germline. Observed: 1 variant allele, 1 heterozygote.

Natera, Inc.
Classification: Likely benign for Joubert syndrome type 2. Last evaluated: 2020-10-21. Review status: no assertion criteria provided. Collection method: clinical testing. Allele origin: germline. Not counted in ClinVar's aggregate classification.

Literature cited by the submitters: PubMed 31635528 (cited by Mayo Clinic Laboratories, Mayo Clinic); PubMed 34448047 (cited by Mayo Clinic Laboratories, Mayo Clinic and Institute of Human Genetics, Univ. Regensburg, Univ. Regensburg).